The following is an entry in ClinVar:

ClinVar aggregate classification (germline): Uncertain significance (1 of 4 stars; one submission).

Conditions:
Syndromic multisystem autoimmune disease due to ITCH deficiency. Also called: AUTOIMMUNE DISEASE, MULTISYSTEM, WITH FACIAL DYSMORPHISM. Identifiers: Orphanet 228426, MedGen C3150649, MONDO:0013245, OMIM 613385.

gnomAD v4.1: 17 of 1,613,754 alleles (0.0011%); highest among the groups gnomAD compares: African/African-American, 0.0067%; no homozygotes.

Submission:

Labcorp Genetics (formerly Invitae), Labcorp
Classification: Uncertain significance for Syndromic multisystem autoimmune disease due to ITCH deficiency. Last evaluated: 2024-08-31. Review status: criteria provided, single submitter. Criteria: Invitae Variant Classification Sherloc (09022015). Collection method: clinical testing. Allele origin: germline.
Comment: This sequence change replaces lysine, which is basic and polar, with isoleucine, which is neutral and non-polar, at codon 472 of the ITCH protein (p.Lys472Ile). This variant is present in population databases (no rsID available, gnomAD 0.008%). This variant has not been reported in the literature in individuals affected with ITCH-related conditions. An algorithm developed to predict the effect of missense changes on protein structure and function (PolyPhen-2) suggests that this variant is likely to be disruptive. In summary, the available evidence is currently insufficient to determine the role of this variant in disease. Therefore, it has been classified as a Variant of Uncertain Significance.

NM_031483.7(ITCH):c.1415A>T (p.Lys472Ile)

Gene: ITCH (itchy E3 ubiquitin protein ligase; plus strand). Cytogenetic location: 20q11.22.
Variant type: single nucleotide variant.
Coding change: c.1415A>T on transcript NM_031483.7 (MANE Select); coding-DNA position 1415, A replaced by T.
Protein change: p.Lys472Ile; replaces lysine 472 with isoleucine.
Molecular consequence: missense variant.
Genome position (GRCh38, 1-based): chr20:34,462,212, A>T. VCF-style: chr20-34462212-A-T. GRCh37 (hg19) VCF-style: chr20-33050017-A-T.
Other names: c.1538A>T, p.Lys513Ile (NM_001257137.3, NM_001324197.2); c.1085A>T, p.Lys362Ile (NM_001257138.3); c.1415A>T, p.Lys472Ile (NM_001324198.2); short protein forms K513I, K362I, K472I.
Identifiers: ClinVar variation 3682027 (VCV003682027.2).